The following is an entry in ClinVar:

ClinVar aggregate classification (germline): Likely pathogenic (1 of 4 stars; one submission).

Conditions:
Ehlers-Danlos syndrome, type 4 (EDSVASC). Also called: Ehlers-Danlos syndrome vascular type; Ehlers Danlos syndrome, ecchymotic type; Ehlers Danlos syndrome, arterial type; Ehlers Danlos syndrome, Sack-Barabas type; Ehlers-Danlos Syndrome Type IV. Identifiers: Orphanet 286, MedGen C0268338, MONDO:0017314, OMIM 130050.

Submission:

Labcorp Genetics (formerly Invitae), Labcorp
Classification: Likely pathogenic for Ehlers-Danlos syndrome, type 4. Last evaluated: 2021-10-08. Review status: criteria provided, single submitter. Criteria: Invitae Variant Classification Sherloc (09022015). Collection method: clinical testing. Allele origin: germline.
Comment: This variant disrupts the triple helix domain of COL3A1. Glycine residues within the Gly-Xaa-Yaa repeats of the triple helix domain are required for the structure and stability of fibrillar collagens (PMID: 7695699, 8218237, 19344236). In COL3A1, variants that affect these glycine residues are significantly enriched in individuals with disease (PMID: 24922459, 25758994) compared to the general population (ExAC). This missense change has been observed in individual(s) with vascular Ehlers-Danlos syndrome (PMID: 30474650). Algorithms developed to predict the effect of missense changes on protein structure and function are either unavailable or do not agree on the potential impact of this missense change (SIFT: "Deleterious"; PolyPhen-2: "Not Available"; Align-GVGD: "Class C0"). In summary, the currently available evidence indicates that the variant is pathogenic, but additional data are needed to prove that conclusively. Therefore, this variant has been classified as Likely Pathogenic. This sequence change replaces glycine with serine at codon 249 of the COL3A1 protein (p.Gly249Ser). The glycine residue is highly conserved and there is a small physicochemical difference between glycine and serine. This variant is not present in population databases (ExAC no frequency).

Literature cited by the submitters: PubMed 7695699; PubMed 8218237; PubMed 19344236; PubMed 24922459; PubMed 25758994; PubMed 30474650.

NM_000090.4(COL3A1):c.745G>A (p.Gly249Ser)

Gene: COL3A1 (collagen type III alpha 1 chain; plus strand). Cytogenetic location: 2q32.2.
Variant type: single nucleotide variant.
Coding change: c.745G>A on transcript NM_000090.4 (MANE Select); coding-DNA position 745, G replaced by A.
Protein change: p.Gly249Ser; replaces glycine 249 with serine.
Molecular consequence: missense variant.
Genome position (GRCh38, 1-based): chr2:188,990,307, G>A. VCF-style: chr2-188990307-G-A. GRCh37 (hg19) VCF-style: chr2-189855033-G-A.
Other names: short protein forms G249S.
Identifiers: ClinVar variation 1488583 (VCV001488583.8), dbSNP rs2153501969, ClinGen allele CA349849116.
Genomic context (GRCh38, chr2:188,990,307, plus strand): 5'-ACTACTAGATTGTGATTCTATTTGAAGGTTCATTAATATTTTTTCATTCATTATTTTTAG[G>A]GTATCAAAGGTCCAGCTGGGATACCTGGATTCCCTGGTATGAAAGGACACAGAGTAAGTA-3'
Protein context (NP_000081.2, residues 239-259): PGERGLPGPP[Gly249Ser]IKGPAGIPGF